The following is an entry in ClinVar:

ClinVar aggregate classification (germline): Uncertain significance (1 of 4 stars; one submission).

Conditions:
Joubert syndrome 15 (JBTS15). Identifiers: Orphanet 475, MedGen C3280897, MONDO:0013763, OMIM 614464.

gnomAD v4.1: 1 of 1,612,854 alleles (0.000062%); highest among the groups gnomAD compares: Middle Eastern, 0.017%; no homozygotes.

Submission:

Labcorp Genetics (formerly Invitae), Labcorp
Classification: Uncertain significance for Joubert syndrome 15. Last evaluated: 2023-12-11. Review status: criteria provided, single submitter. Criteria: Invitae Variant Classification Sherloc (09022015). Collection method: clinical testing. Allele origin: germline.
Comment: This sequence change replaces aspartic acid, which is acidic and polar, with glutamic acid, which is acidic and polar, at codon 226 of the CEP41 protein (p.Asp226Glu). This variant is not present in population databases (gnomAD no frequency). This variant has not been reported in the literature in individuals affected with CEP41-related conditions. ClinVar contains an entry for this variant (Variation ID: 2169344). Advanced modeling of protein sequence and biophysical properties (such as structural, functional, and spatial information, amino acid conservation, physicochemical variation, residue mobility, and thermodynamic stability) performed at Invitae indicates that this missense variant is expected to disrupt CEP41 protein function with a positive predictive value of 80%. In summary, the available evidence is currently insufficient to determine the role of this variant in disease. Therefore, it has been classified as a Variant of Uncertain Significance.

NM_018718.3(CEP41):c.678C>G (p.Asp226Glu)

Gene: CEP41 (centrosomal protein 41; minus strand). Cytogenetic location: 7q32.2.
Variant type: single nucleotide variant.
Coding change: c.678C>G on transcript NM_018718.3 (MANE Select); coding-DNA position 678, C replaced by G.
Protein change: p.Asp226Glu; replaces aspartic acid 226 with glutamic acid.
Molecular consequence: missense variant. On other transcripts: non-coding transcript variant (1).
Genome position (GRCh38, 1-based): chr7:130,400,786, G>C on the plus strand (C>G on the coding strand, the complement: CEP41 is on the minus strand). VCF-style: chr7-130400786-G-C. GRCh37 (hg19) VCF-style: chr7-130040627-G-C.
Other names: c.678C>G, p.Asp226Glu (NM_001257158.2); c.630C>G, p.Asp210Glu (NM_001257159.2); short protein forms D210E, D226E.
Identifiers: ClinVar variation 2169344 (VCV002169344.4), dbSNP rs545406161, ClinGen allele CA369287959.
Genomic context (GRCh38, chr7:130,400,786, plus strand): 5'-GTTTTCAAATCCACGCTCGCACATGGTGGTGGCCGCCTGACTGGCCAGCCTTTCATCATC[G>C]TCATACAGAATGATGATCTTGCCATGGGCATTTTTCTAAGAGTCAGATGAGTTAAGGTTC-3'
Protein context (NP_061188.1, residues 216-236): NAHGKIIILY[Asp226Glu]DDERLASQAA